The following is an entry in ClinVar:

ClinVar aggregate classification (germline): Uncertain significance (1 of 4 stars; one submission).

Conditions:
Spermatogenic failure 18. Identifiers: MedGen C4539783, MONDO:0054615, OMIM 617576.
Ciliary dyskinesia, primary, 37 (CILD37). Also called: CILIARY DYSKINESIA, PRIMARY, 37, WITH OR WITHOUT SITUS INVERSUS. Identifiers: MedGen C4539798, MONDO:0033204, OMIM 617577.

Submission:

Labcorp Genetics (formerly Invitae), Labcorp
Classification: Uncertain significance for Ciliary dyskinesia, primary, 37; Spermatogenic failure 18. Last evaluated: 2025-04-12. Review status: criteria provided, single submitter. Criteria: Invitae Variant Classification Sherloc (09022015). Collection method: clinical testing. Allele origin: germline.
Comment: This sequence change replaces arginine, which is basic and polar, with tryptophan, which is neutral and slightly polar, at codon 780 of the DNAH1 protein (p.Arg780Trp). Information on the frequency of this variant in the gnomAD database is not available, as this variant may be reported differently in the database. This variant has not been reported in the literature in individuals affected with DNAH1-related conditions. ClinVar contains an entry for this variant (Variation ID: 1486537). Experimental studies and prediction algorithms are not available or were not evaluated, and the functional significance of this variant is currently unknown. In summary, the available evidence is currently insufficient to determine the role of this variant in disease. Therefore, it has been classified as a Variant of Uncertain Significance.

NM_015512.5(DNAH1):c.2337_2338delinsTT (p.Arg780Trp)

Gene: DNAH1 (dynein axonemal heavy chain 1; plus strand). Cytogenetic location: 3p21.1.
Variant type: Indel.
Coding change: c.2337_2338delinsTT on transcript NM_015512.5 (MANE Select); coding-DNA positions 2337 to 2338, GC replaced by TT.
Protein change: p.Arg780Trp; replaces arginine 780 with tryptophan.
Molecular consequence: missense variant.
Genome position (GRCh38, 1-based): chr3:52,349,231-52,349,232, GC replaced by TT. VCF-style: chr3-52349231-GC-TT. GRCh37 (hg19) VCF-style: chr3-52383247-GC-TT.
Other names: short protein forms R780W.
Identifiers: ClinVar variation 1486537 (VCV001486537.4), dbSNP rs2153223904, ClinGen allele CA2573137263.
Genomic context (GRCh38, chr3:52,349,231, plus strand): 5'-CTCCCGTGTGCTTGCTGTCCTCAGAACCTACCAGACGCAGGGCCTGTTGGCCCAGGAGGT[GC>TT]GGGAGGTAGTGCTCACCCACCTGCGGGAGAAGGAGATCCTGGACAGCTCGCTGCCCAGCA-3'
Protein context (NP_056327.4, residues 770-790): QTQGLLAQEV[Arg780Trp]EVVLTHLREK